The following is an entry in ClinVar:

ClinVar aggregate classification (germline): Benign/Likely benign. Review status: criteria provided, multiple submitters, no conflicts (2 of 4 stars). 5 submissions from 5 submitters: Benign (3); Likely benign (1). 1 of the submissions does not count toward it. Last evaluated 2026-01-23.

Conditions:
Immunodeficiency due to MASP-2 deficiency. Also called: LECTIN COMPLEMENT ACTIVATION PATHWAY, DEFECT IN, 2; MASP2 deficiency. Identifiers: Orphanet 331187, MedGen C3151085, MONDO:0013423, OMIM 613791.
MASP2-related disorder. Also called: MASP2-related condition.

Allele frequency attached by ClinVar (database versions not stated): TOPMed 0.00269; ESP Exome Variant Server 0.00284; 1000 Genomes Project 30x 0.00422; 1000 Genomes Project 0.00459; gnomAD 0.00544 and 0.00559; gnomAD exomes 0.00556 and 0.00679; ExAC 0.00629.
gnomAD v4.1: 8,946 of 1,613,910 alleles (0.55%); highest among the groups gnomAD compares: South Asian, 1.6%; 74 homozygotes.

Submissions (5):

Women's Health and Genetics/Laboratory Corporation of America, LabCorp
Classification: Likely benign. Last evaluated: 2026-01-23. Review status: criteria provided, single submitter. Criteria: LabCorp Variant Classification Summary - May 2015. Collection method: clinical testing. Allele origin: germline.

Labcorp Genetics (formerly Invitae), Labcorp
Classification: Benign. Last evaluated: 2019-12-31. Review status: criteria provided, single submitter. Criteria: Invitae Variant Classification Sherloc (09022015). Collection method: clinical testing. Allele origin: germline.

Illumina Laboratory Services, Illumina
Classification: Benign for Immunodeficiency due to MASP-2 deficiency. Last evaluated: 2018-01-13. Review status: criteria provided, single submitter. Criteria: ICSL Variant Classification Criteria 13 December 2019. Collection method: clinical testing. Allele origin: germline.
Comment: This variant was observed in the ICSL laboratory as part of a predisposition screen in an ostensibly healthy population. It had not been previously curated by ICSL or reported in the Human Gene Mutation Database (HGMD: prior to June 1st, 2018), and was therefore a candidate for classification through an automated scoring system. Utilizing variant allele frequency, disease prevalence and penetrance estimates, and inheritance mode, an automated score was calculated to assess if this variant is too frequent to cause the disease. Based on the score and internal cut-off values, a variant classified as benign is not then subjected to further curation. The score for this variant resulted in a classification of benign for this disease.

Breakthrough Genomics
Classification: Benign. Review status: criteria provided, single submitter. Criteria: ACMG Guidelines, 2015. Collection method: not provided. Allele origin: germline. Inheritance: Autosomal recessive inheritance. Affected: yes.

PreventionGenetics, part of Exact Sciences
Classification: Benign for MASP2-related condition. Last evaluated: 2019-07-03. Review status: no assertion criteria provided. Collection method: clinical testing. Allele origin: germline. Not counted in ClinVar's aggregate classification.
Comment: This variant is classified as benign based on ACMG/AMP sequence variant interpretation guidelines (Richards et al. 2015 PMID: 25741868, with internal and published modifications).

NM_006610.4(MASP2):c.881C>T (p.Thr294Met)

Gene: MASP2 (MBL associated serine protease 2; minus strand). Cytogenetic location: 1p36.22.
Variant type: single nucleotide variant.
Coding change: c.881C>T on transcript NM_006610.4 (MANE Select); coding-DNA position 881, C replaced by T.
Protein change: p.Thr294Met; replaces threonine 294 with methionine.
Molecular consequence: missense variant.
Genome position (GRCh38, 1-based): chr1:11,042,883, G>A on the plus strand (C>T on the coding strand, the complement: MASP2 is on the minus strand). VCF-style: chr1-11042883-G-A. GRCh37 (hg19) VCF-style: chr1-11102940-G-A.
Other names: short protein forms T294M.
Identifiers: ClinVar variation 729733 (VCV000729733.12), dbSNP rs139962539, ClinGen allele CA586910.